The following is an entry in ClinVar:

NM_014314.4(RIGI):c.414A>C (p.Glu138Asp)

Gene: RIGI (RNA sensor RIG-I; minus strand). Cytogenetic location: 9p21.1.
Variant type: single nucleotide variant.
Coding change: c.414A>C on transcript NM_014314.4 (MANE Select); coding-DNA position 414, A replaced by C.
Protein change: p.Glu138Asp; replaces glutamic acid 138 with aspartic acid.
Molecular consequence: missense variant. On other transcripts: 5 prime UTR variant (3).
Genome position (GRCh38, 1-based): chr9:32,493,770, T>G on the plus strand (A>C on the coding strand, the complement: RIGI is on the minus strand). VCF-style: chr9-32493770-T-G. GRCh37 (hg19) VCF-style: chr9-32493768-T-G.
Other names: c.414A>C, p.Glu138Asp (NM_001385907.1, NM_001385909.1, NM_001385913.1); c.-41A>C (NM_001385910.1, NM_001385914.1); c.-48A>C (NM_001385912.1); c.414A>C (NM_014314.3); short protein forms E138D.
Identifiers: ClinVar variation 1913768 (VCV001913768.6), dbSNP rs200728665, ClinGen allele CA5020101.

ClinVar aggregate classification (germline): Uncertain significance. Review status: criteria provided, multiple submitters, no conflicts (2 of 4 stars). 2 submissions from 2 submitters: Uncertain significance (2). Last evaluated 2025-06-01.

Conditions:
Inborn genetic diseases. Identifiers: MedGen C0950123, MeSH D030342.

Allele frequency attached by ClinVar (database versions not stated): gnomAD 0.00001; TOPMed 0.00001; ExAC 0.00002; gnomAD exomes 0.00002.
gnomAD v4.1: 32 of 1,569,530 alleles (0.002%); highest among the groups gnomAD compares: Middle Eastern, 0.036%; no homozygotes.

Submissions (2):

Labcorp Genetics (formerly Invitae), Labcorp
Classification: Uncertain significance. Last evaluated: 2025-06-01. Review status: criteria provided, single submitter. Criteria: Invitae Variant Classification Sherloc (09022015). Collection method: clinical testing. Allele origin: germline.
Comment: This sequence change replaces glutamic acid, which is acidic and polar, with aspartic acid, which is acidic and polar, at codon 138 of the DDX58 protein (p.Glu138Asp). This variant is present in population databases (rs200728665, gnomAD 0.008%). This variant has not been reported in the literature in individuals affected with DDX58-related conditions. ClinVar contains an entry for this variant (Variation ID: 1913768). An algorithm developed to predict the effect of missense changes on protein structure and function (PolyPhen-2) suggests that this variant is likely to be disruptive. In summary, the available evidence is currently insufficient to determine the role of this variant in disease. Therefore, it has been classified as a Variant of Uncertain Significance.

Ambry Genetics
Classification: Uncertain significance for Inborn genetic diseases. Last evaluated: 2023-11-29. Review status: criteria provided, single submitter. Criteria: Ambry Variant Classification Scheme 2023. Collection method: clinical testing. Allele origin: germline.